The following is an entry in ClinVar:

NM_006940.6(SOX5):c.932-1G>C

Gene: SOX5 (SRY-box transcription factor 5; minus strand). Cytogenetic location: 12p12.1.
Variant type: single nucleotide variant.
Coding change: c.932-1G>C on transcript NM_006940.6 (MANE Select); the canonical splice acceptor site of the intron before coding-DNA position 932, G replaced by C.
Molecular consequence: splice acceptor variant.
Genome position (GRCh38, 1-based): chr12:23,640,898, C>G on the plus strand (G>C on the coding strand, the complement: SOX5 is on the minus strand). VCF-style: chr12-23640898-C-G. GRCh37 (hg19) VCF-style: chr12-23793832-C-G.
Other names: c.893-1G>C (NM_152989.5, NM_001261414.3); c.902-1G>C (NM_001261415.3); c.827-1G>C (NM_001330785.2).
Identifiers: ClinVar variation 1195659 (VCV001195659.2), dbSNP rs2138726408, ClinGen allele CA384317865.

ClinVar aggregate classification (germline): Pathogenic (1 of 4 stars; one submission).

Submission:

GeneDx
Classification: Pathogenic. Last evaluated: 2019-11-19. Review status: criteria provided, single submitter. Criteria: GeneDx Variant Classification Process June 2021. Collection method: clinical testing. Allele origin: germline. Affected: yes.
Comment: Canonical splice site variant in a gene for which loss-of-function is a known mechanism of disease; Not observed in large population cohorts (Lek et al., 2016); Has not been previously published as pathogenic or benign to our knowledge